The following is an entry in ClinVar:

ClinVar aggregate classification (germline): Uncertain significance (1 of 4 stars; one submission).

Submission:

Labcorp Genetics (formerly Invitae), Labcorp
Classification: Uncertain significance. Last evaluated: 2025-08-28. Review status: criteria provided, single submitter. Criteria: Invitae Variant Classification Sherloc (09022015). Collection method: clinical testing. Allele origin: germline.
Comment: This sequence change creates a premature translational stop signal (p.Thr440Serfs*5) in the POLG2 gene. While this is not anticipated to result in nonsense mediated decay, it is expected to disrupt the last 46 amino acid(s) of the POLG2 protein. This variant is present in population databases (rs782309871, gnomAD 0.02%). This variant has not been reported in the literature in individuals affected with POLG2-related conditions. Experimental studies and prediction algorithms are not available or were not evaluated, and the functional significance of this variant is currently unknown. This variant disrupts the C-terminus of the POLG2 protein. Other variant(s) that disrupt this region (p.Leu475Aspfs*2) have been observed in individuals with POLG2-related conditions (PMID: 21555342). This suggests that this may be a clinically significant region of the protein. In summary, the available evidence is currently insufficient to determine the role of this variant in disease. Therefore, it has been classified as a Variant of Uncertain Significance.

Literature cited by the submitters: PubMed 21555342.

NM_007215.4(POLG2):c.1319_1320del (p.Thr440fs)

Genes: MILR1 (mast cell immunoglobulin like receptor 1; plus strand), POLG2 (DNA polymerase gamma 2, accessory subunit; minus strand). Cytogenetic location: 17q23.3.
Variant type: Microsatellite.
Coding change: c.1319_1320del on transcript NM_007215.4 (MANE Select); coding-DNA positions 1319 to 1320, 2 bases deleted (CA; older notation c.1319_1320delCA).
Protein change: p.Thr440fs; shifts the reading frame from threonine 440.
Molecular consequence: frameshift variant.
Genome position (GRCh38, 1-based): chr17:64,477,961-64,477,962, TG deleted on the plus strand (CA on the coding strand, the reverse complement: POLG2 is on the minus strand); deleting any 2 consecutive bases within chr17:64,477,961-64,477,964 gives the same sequence; the c. name uses the placement nearest the transcript's 3' end. VCF-style (leftmost placement, unchanged base first): chr17-64477960-CTG-C. GRCh37 (hg19) VCF-style: chr17-62474077-CTG-C.
Other names: short protein forms T440fs.
Identifiers: ClinVar variation 4747812 (VCV004747812.1).